The following is an entry in ClinVar:

NM_015047.3(EMC1):c.2588T>C (p.Ile863Thr)

Genes: EMC1 (ER membrane protein complex subunit 1; minus strand), EMC1-AS1 (EMC1 antisense RNA 1; plus strand). Cytogenetic location: 1p36.13.
Variant type: single nucleotide variant.
Coding change: c.2588T>C on transcript NM_015047.3 (MANE Select); coding-DNA position 2588, T replaced by C.
Protein change: p.Ile863Thr; replaces isoleucine 863 with threonine.
Molecular consequence: missense variant.
Genome position (GRCh38, 1-based): chr1:19,220,848, A>G on the plus strand (T>C on the coding strand, the complement: EMC1 is on the minus strand). VCF-style: chr1-19220848-A-G. GRCh37 (hg19) VCF-style: chr1-19547342-A-G.
Other names: c.2585T>C, p.Ile862Thr (NM_001271427.2, NM_001271428.2); c.2522T>C, p.Ile841Thr (NM_001271429.2); c.2597T>C, p.Ile866Thr (NM_001375820.1); c.2594T>C, p.Ile865Thr (NM_001375821.1); short protein forms I865T, I841T, I863T, I862T, I866T.
Identifiers: ClinVar variation 1347430 (VCV001347430.8), dbSNP rs765739409, ClinGen allele CA652211.

ClinVar aggregate classification (germline): Uncertain significance (1 of 4 stars; one submission).

Allele frequency attached by ClinVar (database versions not stated): gnomAD exomes below 0.00001 and 0.00001; gnomAD 0.00001; TOPMed 0.00001; ExAC 0.00002.
gnomAD v4.1: 5 of 1,611,478 alleles (0.00031%); highest among the groups gnomAD compares: African/African-American, 0.0027%; no homozygotes.

Submission:

Labcorp Genetics (formerly Invitae), Labcorp
Classification: Uncertain significance. Last evaluated: 2025-03-22. Review status: criteria provided, single submitter. Criteria: Invitae Variant Classification Sherloc (09022015). Collection method: clinical testing. Allele origin: germline.
Comment: This sequence change replaces isoleucine, which is neutral and non-polar, with threonine, which is neutral and polar, at codon 863 of the EMC1 protein (p.Ile863Thr). This variant is present in population databases (rs765739409, gnomAD 0.006%). This variant has not been reported in the literature in individuals affected with EMC1-related conditions. ClinVar contains an entry for this variant (Variation ID: 1347430). An algorithm developed to predict the effect of missense changes on protein structure and function (PolyPhen-2) suggests that this variant is likely to be tolerated. In summary, the available evidence is currently insufficient to determine the role of this variant in disease. Therefore, it has been classified as a Variant of Uncertain Significance.